The following is an entry in ClinVar:

ClinVar aggregate classification (germline): Uncertain significance (1 of 4 stars; one submission).

Conditions:
Inborn genetic diseases. Identifiers: MedGen C0950123, MeSH D030342.

Submission:

Ambry Genetics
Classification: Uncertain significance for Inborn genetic diseases. Last evaluated: 2025-10-13. Review status: criteria provided, single submitter. Criteria: Ambry Variant Classification Scheme 2023. Collection method: clinical testing. Allele origin: germline.
Comment: The p.M556I variant (also known as c.1668G>A), located in coding exon 18 of the FANCA gene, results from a G to A substitution at nucleotide position 1668. The methionine at codon 556 is replaced by isoleucine, an amino acid with highly similar properties. This amino acid position is conserved. In addition, this alteration is predicted to be tolerated by in silico analysis. Based on the available evidence, the clinical significance of this variant remains unclear.

NM_000135.4(FANCA):c.1668G>A (p.Met556Ile)

Gene: FANCA (FA complementation group A; minus strand). Cytogenetic location: 16q24.3.
Variant type: single nucleotide variant.
Coding change: c.1668G>A on transcript NM_000135.4 (MANE Select); coding-DNA position 1668, G replaced by A.
Protein change: p.Met556Ile; replaces methionine 556 with isoleucine.
Molecular consequence: missense variant.
Genome position (GRCh38, 1-based): chr16:89,779,916, C>T on the plus strand (G>A on the coding strand, the complement: FANCA is on the minus strand). VCF-style: chr16-89779916-C-T. GRCh37 (hg19) VCF-style: chr16-89846324-C-T.
Other names: c.1668G>A, p.Met556Ile (NM_001286167.3); short protein forms M556I.
Identifiers: ClinVar variation 4619198 (VCV004619198.1).
Genomic context (GRCh38, chr16:89,779,916, plus strand): 5'-CAGCCCAGCCTACCTGGCCTCCATGACGGTGACTGGGATGTTCCCCGTATGCTCAAACAC[C>T]ATGATGGCCTTTTCAACATCCTGAAGAGCTTGGCTGTGGGGCTGGTTCCCATACAGGGAG-3'
Protein context (NP_000126.2, residues 546-566): QALQDVEKAI[Met556Ile]VFEHTGNIPV